The following is an entry in ClinVar:

ClinVar aggregate classification (germline): Uncertain significance (1 of 4 stars; one submission).

Conditions:
TTC8-related disorder. Also called: TTC8-related condition.

gnomAD v4.1: 8 of 1,425,588 alleles (0.00056%); highest among the groups gnomAD compares: African/African-American, 0.0086%; no homozygotes.

Submission:

PreventionGenetics, part of Exact Sciences
Classification: Uncertain significance for TTC8-related condition. Last evaluated: 2025-08-05. Review status: criteria provided, single submitter. Criteria: ACMG Guidelines, 2015. Collection method: clinical testing. Allele origin: germline.
Comment: The TTC8 c.595A>G variant is predicted to result in the amino acid substitution p.Ile199Val. To our knowledge, this variant has not been reported in the literature. This variant is reported in 0.0048% of alleles in individuals of Latino descent in gnomAD. At this time, the clinical significance of this variant is uncertain due to the absence of conclusive functional and genetic evidence.

NM_144596.4(TTC8):c.624+2748A>G

Gene: TTC8 (tetratricopeptide repeat domain 8; plus strand). Cytogenetic location: 14q31.3.
Variant type: single nucleotide variant.
Coding change: c.624+2748A>G on transcript NM_144596.4 (MANE Select); 2748 bases into the intron after coding-DNA position 624, A replaced by G.
Molecular consequence: intron variant. On other transcripts: missense variant (1).
Genome position (GRCh38, 1-based): chr14:88,846,598, A>G. VCF-style: chr14-88846598-A-G. GRCh37 (hg19) VCF-style: chr14-89312942-A-G.
Other names: c.595A>G, p.Ile199Val (NM_001288781.1); c.30+5041A>G (NM_001288782.1); c.594+2748A>G (NM_198309.3, NM_001366535.2); c.-153-250A>G (NM_001288783.1); c.504+2748A>G (NM_198310.3, NM_001366536.2); short protein forms I199V.
Identifiers: ClinVar variation 4988272 (VCV004988272.1).